The following is an entry in ClinVar:

NM_001655.5(ARCN1):c.428T>G (p.Val143Gly)

Gene: ARCN1 (archain 1; plus strand). Cytogenetic location: 11q23.3.
Variant type: single nucleotide variant.
Coding change: c.428T>G on transcript NM_001655.5 (MANE Select); coding-DNA position 428, T replaced by G.
Protein change: p.Val143Gly; replaces valine 143 with glycine.
Molecular consequence: missense variant.
Genome position (GRCh38, 1-based): chr11:118,583,339, T>G. VCF-style: chr11-118583339-T-G. GRCh37 (hg19) VCF-style: chr11-118454054-T-G.
Other names: c.164T>G, p.Val55Gly (NM_001142281.2); short protein forms V143G, V55G.
Identifiers: ClinVar variation 2577358 (VCV002577358.1), dbSNP rs2497682485, ClinGen allele CA382804698.
Genomic context (GRCh38, chr11:118,583,339, plus strand): 5'-AGAATGTTAACTTGGCACAGATCAGAACCTTCACAGAAATGGATTCTCATGAGGAGAAGG[T>G]GTTCAGAGCCGTCAGAGAGGTAAATAGGATCTTCTCTGGGACTACCTGTTTGTATGTCTT-3'
Protein context (NP_001646.2, residues 133-153): FTEMDSHEEK[Val143Gly]FRAVRETQER

ClinVar aggregate classification (germline): Uncertain significance (1 of 4 stars; one submission).

Submission:

Women's Health and Genetics/Laboratory Corporation of America, LabCorp
Classification: Uncertain significance. Last evaluated: 2023-07-03. Review status: criteria provided, single submitter. Criteria: LabCorp Variant Classification Summary - May 2015. Collection method: clinical testing. Allele origin: germline.
Comment: Variant summary: ARCN1 c.428T>G (p.Val143Gly) results in a non-conservative amino acid change in the encoded protein sequence. Four of five in-silico tools predict a damaging effect of the variant on protein function. The variant was absent in 250738 control chromosomes. The available data on variant occurrences in the general population are insufficient to allow any conclusion about variant significance. To our knowledge, no occurrence of c.428T>G in individuals affected with Short Stature, Rhizomelic, With Microcephaly, Micrognathia, And Developmental Delay and no experimental evidence demonstrating its impact on protein function have been reported. No submitters have reported clinical-significance assessments for this variant to ClinVar after 2014. Based on the evidence outlined above, the variant was classified as uncertain significance.